The following is an entry in ClinVar:

NM_021076.4(NEFH):c.1791G>C (p.Glu597Asp)

Gene: NEFH (neurofilament heavy chain; plus strand). Cytogenetic location: 22q12.2.
Variant type: single nucleotide variant.
Coding change: c.1791G>C on transcript NM_021076.4 (MANE Select); coding-DNA position 1791, G replaced by C.
Protein change: p.Glu597Asp; replaces glutamic acid 597 with aspartic acid.
Molecular consequence: missense variant.
Genome position (GRCh38, 1-based): chr22:29,489,431, G>C. VCF-style: chr22-29489431-G-C. GRCh37 (hg19) VCF-style: chr22-29885420-G-C.
Other names: short protein forms E597D.
Identifiers: ClinVar variation 2628855 (VCV002628855.4), dbSNP rs753850528, ClinGen allele CA10174278.
Genomic context (GRCh38, chr22:29,489,431, plus strand): 5'-GGTCAAGTCCCCCGAGAAGGCCAAGTCCCCAGCAAAGGAAGAGGCAAAGTCACCGGCTGA[G>C]GCCAAGTCTCCAGAGAAGGCCAAGTCCCCAGTGAAGGAAGAAGCAAAGTCACCGGCTGAG-3'
Protein context (NP_066554.2, residues 587-607): PAKEEAKSPA[Glu597Asp]AKSPEKAKSP

ClinVar aggregate classification (germline): Uncertain significance. Review status: criteria provided, multiple submitters, no conflicts (2 of 4 stars). 2 submissions from 2 submitters: Uncertain significance (2). Last evaluated 2024-06-24.

Conditions:
NEFH-related disorder. Also called: NEFH-related condition.

Allele frequency attached by ClinVar (database versions not stated): gnomAD exomes 0.00001; ExAC 0.00002; gnomAD 0.00001; TOPMed 0.00002.
gnomAD v4.1: 9 of 1,612,988 alleles (0.00056%); highest among the groups gnomAD compares: East Asian, 0.018%; no homozygotes.

Submissions (2):

Labcorp Genetics (formerly Invitae), Labcorp
Classification: Uncertain significance. Last evaluated: 2024-06-24. Review status: criteria provided, single submitter. Criteria: Invitae Variant Classification Sherloc (09022015). Collection method: clinical testing. Allele origin: germline.
Comment: This sequence change replaces glutamic acid, which is acidic and polar, with aspartic acid, which is acidic and polar, at codon 597 of the NEFH protein (p.Glu597Asp). This variant is present in population databases (rs753850528, gnomAD 0.02%). This missense change has been observed in individual(s) with amyotrophic lateral sclerosis (PMID: 29411640). ClinVar contains an entry for this variant (Variation ID: 2628855). Advanced modeling of protein sequence and biophysical properties (such as structural, functional, and spatial information, amino acid conservation, physicochemical variation, residue mobility, and thermodynamic stability) performed at Invitae indicates that this missense variant is not expected to disrupt NEFH protein function with a negative predictive value of 95%. In summary, the available evidence is currently insufficient to determine the role of this variant in disease. Therefore, it has been classified as a Variant of Uncertain Significance.

PreventionGenetics, part of Exact Sciences
Classification: Uncertain significance for NEFH-related condition. Last evaluated: 2023-02-08. Review status: criteria provided, single submitter. Criteria: ACMG Guidelines, 2015. Collection method: clinical testing. Allele origin: germline.
Comment: The NEFH c.1791G>C variant is predicted to result in the amino acid substitution p.Glu597Asp. This variant was reported in an individual with amyotrophic lateral sclerosis (Zhang et al 2018. PubMed ID: 29411640). This variant is reported in 0.022% of alleles in individuals of East Asian descent in gnomAD. At this time, the clinical significance of this variant is uncertain due to the absence of conclusive functional and genetic evidence.

Literature cited by the submitters: PubMed 29411640 (cited by Labcorp Genetics (formerly Invitae), Labcorp).